The following is an entry in ClinVar:

NM_198253.3(TERT):c.776C>T (p.Pro259Leu)

Gene: TERT (telomerase reverse transcriptase; minus strand). Cytogenetic location: 5p15.33.
Variant type: single nucleotide variant.
Coding change: c.776C>T on transcript NM_198253.3 (MANE Select); coding-DNA position 776, C replaced by T.
Protein change: p.Pro259Leu; replaces proline 259 with leucine.
Molecular consequence: missense variant. On other transcripts: non-coding transcript variant (2).
Genome position (GRCh38, 1-based): chr5:1,294,110, G>A on the plus strand (C>T on the coding strand, the complement: TERT is on the minus strand). VCF-style: chr5-1294110-G-A. GRCh37 (hg19) VCF-style: chr5-1294225-G-A.
Other names: c.776C>T, p.Pro259Leu (NM_001193376.3); short protein forms P259L.
Identifiers: ClinVar variation 850118 (VCV000850118.12), dbSNP rs775613951, ClinGen allele CA3184917.

ClinVar aggregate classification (germline): Conflicting classifications of pathogenicity. Review status: criteria provided, conflicting classifications (1 of 4 stars). 2 submissions from 2 submitters: Uncertain significance (1); Likely benign (1). Last evaluated 2023-09-26.

Conditions:
Dyskeratosis congenita. Identifiers: Orphanet 1775, MedGen C0265965, MONDO:0015780.
Idiopathic Pulmonary Fibrosis. Also called: Idiopathic fibrosing alveolitis, chronic form; idiopathic fibrosing alveolitis. Identifiers: Orphanet 2032, MedGen C1800706, MeSH D054990, MONDO:0800504.
Dyskeratosis congenita, autosomal dominant 2. Identifiers: MedGen C3151443, MONDO:0013521, OMIM 613989.

Allele frequency attached by ClinVar (database versions not stated): TOPMed 0.00001; ExAC 0.00002; gnomAD exomes 0.00002.
gnomAD v4.1: 15 of 1,585,338 alleles (0.00095%); highest among the groups gnomAD compares: South Asian, 0.015%; no homozygotes.

Submissions (2):

Labcorp Genetics (formerly Invitae), Labcorp
Classification: Likely benign for Dyskeratosis congenita, autosomal dominant 2; Idiopathic Pulmonary Fibrosis. Last evaluated: 2023-09-26. Review status: criteria provided, single submitter. Criteria: Invitae Variant Classification Sherloc (09022015). Collection method: clinical testing. Allele origin: germline.

Ambry Genetics
Classification: Uncertain significance for Dyskeratosis congenita. Last evaluated: 2022-05-06. Review status: criteria provided, single submitter. Criteria: Ambry Variant Classification Scheme 2023. Collection method: clinical testing. Allele origin: germline.
Comment: The p.P259L variant (also known as c.776C>T), located in coding exon 2 of the TERT gene, results from a C to T substitution at nucleotide position 776. The proline at codon 259 is replaced by leucine, an amino acid with similar properties. This amino acid position is conserved. In addition, this alteration is predicted to be tolerated by in silico analysis. Since supporting evidence is limited at this time, the clinical significance of this alteration remains unclear.